The following is an entry in ClinVar:

ClinVar aggregate classification (germline): Uncertain significance (1 of 4 stars; one submission).

Conditions:
Charcot-Marie-Tooth disease axonal type 2P. Also called: CHARCOT-MARIE-TOOTH NEUROPATHY, TYPE 2P; CHARCOT-MARIE-TOOTH DISEASE, AXONAL, TYPE 2G; CMT 2G; Charcot-Marie-Tooth Neuropathy Type 2G. Identifiers: Orphanet 300319, Orphanet 99941, MedGen C3280797, MONDO:0013753, OMIM 614436.

Allele frequency attached by ClinVar (database versions not stated): TOPMed below 0.00001.

Submission:

Labcorp Genetics (formerly Invitae), Labcorp
Classification: Uncertain significance for Charcot-Marie-Tooth disease axonal type 2P. Last evaluated: 2017-08-08. Review status: criteria provided, single submitter. Criteria: Invitae Variant Classification Sherloc (09022015). Collection method: clinical testing. Allele origin: germline.
Comment: In summary, the available evidence is currently insufficient to determine the role of this variant in disease. Therefore, it has been classified as a Variant of Uncertain Significance. Algorithms developed to predict the effect of missense changes on protein structure and function do not agree on the potential impact of this missense change (SIFT: "Deleterious"; PolyPhen-2: "Benign"; Align-GVGD: "Class C0"). This variant has not been reported in the literature in individuals with LRSAM1-related disease. This variant is not present in population databases (ExAC no frequency). This sequence change replaces isoleucine with phenylalanine at codon 504 of the LRSAM1 protein (p.Ile504Phe). The isoleucine residue is moderately conserved and there is a small physicochemical difference between isoleucine and phenylalanine.

NM_001005373.4(LRSAM1):c.1510A>T (p.Ile504Phe)

Gene: LRSAM1 (leucine rich repeat and sterile alpha motif containing 1; plus strand). Cytogenetic location: 9q33.3.
Variant type: single nucleotide variant.
Coding change: c.1510A>T on transcript NM_001005373.4 (MANE Select); coding-DNA position 1510, A replaced by T.
Protein change: p.Ile504Phe; replaces isoleucine 504 with phenylalanine.
Molecular consequence: missense variant. On other transcripts: non-coding transcript variant (2).
Genome position (GRCh38, 1-based): chr9:127,492,808, A>T. VCF-style: chr9-127492808-A-T. GRCh37 (hg19) VCF-style: chr9-130255087-A-T.
Other names: c.1510A>T, p.Ile504Phe (NM_001005374.4, NM_001384142.1, NM_001384143.1 and 1 more transcripts); c.1429A>T, p.Ile477Phe (NM_001190723.3); c.721A>T, p.Ile241Phe (NM_001384144.1); short protein forms I504F, I477F, I241F.
Identifiers: ClinVar variation 539993 (VCV000539993.8), dbSNP rs1472578658, ClinGen allele CA374934302.
Genomic context (GRCh38, chr9:127,492,808, plus strand): 5'-GACTCCTGCGCTGCCGCCAGCTCACGGTGGTGCGGGGTGTGGTCTTGTTCGCAGGAGATG[A>T]TCTCGGAGCAGCGCTGGGCCCTCAGCTCCCTGCTCCAGCAGCTGCTCAAAGAGAAGCAGC-3'
Protein context (NP_001005373.1, residues 494-514): SLDTESLQEM[Ile504Phe]SEQRWALSSL